The following is an entry in ClinVar:

NM_005751.5(AKAP9):c.11494C>T (p.Arg3832Cys)

Gene: AKAP9 (A-kinase anchoring protein 9; plus strand). Cytogenetic location: 7q21.2.
Variant type: single nucleotide variant.
Coding change: c.11494C>T on transcript NM_005751.5 (MANE Select); coding-DNA position 11494, C replaced by T.
Protein change: p.Arg3832Cys; replaces arginine 3832 with cysteine.
Molecular consequence: missense variant.
Genome position (GRCh38, 1-based): chr7:92,107,370, C>T. VCF-style: chr7-92107370-C-T. GRCh37 (hg19) VCF-style: chr7-91736684-C-T.
Other names: c.6139C>T, p.Arg2047Cys (NM_001379277.1); c.11470C>T, p.Arg3824Cys (NM_147185.3); short protein forms R2047C, R3824C, R3832C.
Identifiers: ClinVar variation 1352579 (VCV001352579.9), dbSNP rs140053176, ClinGen allele CA4338212.
Genomic context (GRCh38, chr7:92,107,370, plus strand): 5'-TCATTTTATCATTCTTCTGGTGGGCTGGAGTTATATGGAGAACCAAGACATACTACGTAT[C>T]GCTCAAGATCAGATCTGGACTATATTAGGTCCCCTTTACCATTTCAGAATAGGTAAGAAT-3'
Protein context (NP_005742.4, residues 3822-3842): LYGEPRHTTY[Arg3832Cys]SRSDLDYIRS

ClinVar aggregate classification (germline): Uncertain significance. Review status: criteria provided, multiple submitters, no conflicts (2 of 4 stars). 3 submissions from 3 submitters: Uncertain significance (3). Last evaluated 2026-01-19.

Conditions:
Cardiovascular phenotype. Identifiers: MedGen CN230736.
Long QT syndrome (LQTS). Identifiers: MedGen C0023976, MeSH D008133, MONDO:0002442. Disease mechanism: loss of function. Inheritance: Various modes of inheritance.
Long QT syndrome 11 (LQT11). Identifiers: Orphanet 101016, Orphanet 768, MedGen C2678483, MONDO:0012738, OMIM 611820.

Allele frequency attached by ClinVar (database versions not stated): gnomAD 0.00007; TOPMed 0.00008; ExAC 0.00010; ESP Exome Variant Server 0.00015.
gnomAD v4.1: 80 of 1,613,464 alleles (0.005%); highest among the groups gnomAD compares: East Asian, 0.04%; no homozygotes.

Submissions (3):

Labcorp Genetics (formerly Invitae), Labcorp
Classification: Uncertain significance for Long QT syndrome. Last evaluated: 2026-01-19. Review status: criteria provided, single submitter. Criteria: Invitae Variant Classification Sherloc (09022015). Collection method: clinical testing. Allele origin: germline.
Comment: This sequence change replaces arginine, which is basic and polar, with cysteine, which is neutral and slightly polar, at codon 3832 of the AKAP9 protein (p.Arg3832Cys). This variant is present in population databases (rs140053176, gnomAD 0.09%), and has an allele count higher than expected for a pathogenic variant. This missense change has been observed in individual(s) with arrhythmia (PMID: 30847666). ClinVar contains an entry for this variant (Variation ID: 1352579). An algorithm developed to predict the effect of missense changes on protein structure and function (PolyPhen-2) suggests that this variant is likely to be disruptive. In summary, the available evidence is currently insufficient to determine the role of this variant in disease. Therefore, it has been classified as a Variant of Uncertain Significance.

Fulgent Genetics
Classification: Uncertain significance for Long QT syndrome 11. Last evaluated: 2021-09-17. Review status: criteria provided, single submitter. Criteria: ACMG Guidelines, 2015. Collection method: clinical testing. Allele origin: unknown.

Ambry Genetics
Classification: Uncertain significance for Cardiovascular phenotype. Last evaluated: 2019-06-18. Review status: criteria provided, single submitter. Criteria: Ambry Variant Classification Scheme 2023. Collection method: clinical testing. Allele origin: germline.
Comment: The p.R3832C variant (also known as c.11494C>T), located in coding exon 48 of the AKAP9 gene, results from a C to T substitution at nucleotide position 11494. The arginine at codon 3832 is replaced by cysteine, an amino acid with highly dissimilar properties. This alteration has been reported in a cohort of subjects with autism (Matsunami N et al. Mol Autism, 2014 Jan;5:5). This amino acid position is highly conserved in available vertebrate species. In addition, the in silico prediction for this alteration is inconclusive. Since supporting evidence is limited at this time, the clinical significance of this alteration remains unclear.

Literature cited by the submitters: PubMed 30847666 (cited by Labcorp Genetics (formerly Invitae), Labcorp); PubMed 24467814 (cited by Ambry Genetics).